The following is an entry in ClinVar:

NM_003839.4(TNFRSF11A):c.692T>C (p.Phe231Ser)

Gene: TNFRSF11A (TNF receptor superfamily member 11a; plus strand). Cytogenetic location: 18q21.33.
Variant type: single nucleotide variant.
Coding change: c.692T>C on transcript NM_003839.4 (MANE Select); coding-DNA position 692, T replaced by C.
Protein change: p.Phe231Ser; replaces phenylalanine 231 with serine.
Molecular consequence: missense variant. On other transcripts: intron variant (1).
Genome position (GRCh38, 1-based): chr18:62,361,755, T>C. VCF-style: chr18-62361755-T-C. GRCh37 (hg19) VCF-style: chr18-60028988-T-C.
Other names: c.616+1706T>C (NM_001270951.2); c.692T>C, p.Phe231Ser (NM_001270949.2, NM_001270950.2); c.650T>C, p.Phe217Ser (NM_001278268.2); short protein forms F217S, F231S.
Identifiers: ClinVar variation 2822040 (VCV002822040.3), dbSNP rs2511575754, ClinGen allele CA402614316.

ClinVar aggregate classification (germline): Uncertain significance (1 of 4 stars; one submission).

Submission:

Labcorp Genetics (formerly Invitae), Labcorp
Classification: Uncertain significance. Last evaluated: 2022-12-18. Review status: criteria provided, single submitter. Criteria: Invitae Variant Classification Sherloc (09022015). Collection method: clinical testing. Allele origin: germline.
Comment: This variant has not been reported in the literature in individuals affected with TNFRSF11A-related conditions. In summary, the available evidence is currently insufficient to determine the role of this variant in disease. Therefore, it has been classified as a Variant of Uncertain Significance. Advanced modeling of protein sequence and biophysical properties (such as structural, functional, and spatial information, amino acid conservation, physicochemical variation, residue mobility, and thermodynamic stability) performed at Invitae indicates that this missense variant is not expected to disrupt TNFRSF11A protein function. This variant is not present in population databases (gnomAD no frequency). This sequence change replaces phenylalanine, which is neutral and non-polar, with serine, which is neutral and polar, at codon 231 of the TNFRSF11A protein (p.Phe231Ser).